The following is an entry in ClinVar:

ClinVar aggregate classification (germline): Uncertain significance. Review status: criteria provided, multiple submitters, no conflicts (2 of 4 stars). 2 submissions from 2 submitters: Uncertain significance (2). Last evaluated 2023-04-12.

Conditions:
Hereditary cancer-predisposing syndrome. Also called: Hereditary Cancer Syndrome; Tumor predisposition; Hereditary neoplastic syndrome; Neoplastic Syndromes, Hereditary. Identifiers: Orphanet 140162, MedGen C0027672, MeSH D009386, MONDO:0015356.
Tuberous sclerosis 2 (TSC2). Identifiers: Orphanet 805, MedGen C1860707, MONDO:0013199, OMIM 613254.

Submissions (2):

Ambry Genetics
Classification: Uncertain significance for Hereditary cancer-predisposing syndrome. Last evaluated: 2023-04-12. Review status: criteria provided, single submitter. Criteria: Ambry Variant Classification Scheme 2023. Collection method: clinical testing. Allele origin: germline.
Comment: The c.1119+5G>C intronic variant results from a G to C substitution 5 nucleotides after coding exon 10 in the TSC2 gene. This nucleotide position is highly conserved in available vertebrate species. In silico splice site analysis for this alteration is inconclusive. Since supporting evidence is limited at this time, the clinical significance of this alteration remains unclear.

Labcorp Genetics (formerly Invitae), Labcorp
Classification: Uncertain significance for Tuberous sclerosis 2. Last evaluated: 2023-01-15. Review status: criteria provided, single submitter. Criteria: Invitae Variant Classification Sherloc (09022015). Collection method: clinical testing. Allele origin: germline.
Comment: This variant is not present in population databases (gnomAD no frequency). This sequence change falls in intron 11 of the TSC2 gene. It does not directly change the encoded amino acid sequence of the TSC2 protein. It affects a nucleotide within the consensus splice site. This variant has not been reported in the literature in individuals affected with TSC2-related conditions. ClinVar contains an entry for this variant (Variation ID: 1054533). Variants that disrupt the consensus splice site are a relatively common cause of aberrant splicing (PMID: 17576681, 9536098). RNA analysis performed to evaluate the impact of this variant on mRNA splicing indicates it does not significantly alter splicing (Invitae). In summary, the available evidence is currently insufficient to determine the role of this variant in disease. Therefore, it has been classified as a Variant of Uncertain Significance.

Literature cited by the submitters: PubMed 17576681 (cited by Labcorp Genetics (formerly Invitae), Labcorp); PubMed 9536098 (cited by Labcorp Genetics (formerly Invitae), Labcorp).

NM_000548.5(TSC2):c.1119+5G>C

Gene: TSC2 (TSC complex subunit 2; plus strand). Cytogenetic location: 16p13.3.
Variant type: single nucleotide variant.
Coding change: c.1119+5G>C on transcript NM_000548.5 (MANE Select); 5 bases into the intron after coding-DNA position 1119, G replaced by C.
Molecular consequence: intron variant.
Genome position (GRCh38, 1-based): chr16:2,060,818, G>C. VCF-style: chr16-2060818-G-C. GRCh37 (hg19) VCF-style: chr16-2110819-G-C.
Other names: c.1119+5G>C (NM_000548.3, NM_001114382.3, NM_021055.3 and 4 more transcripts); c.1008+5G>C (NM_001318827.2); c.519+5G>C (NM_001318831.2); c.972+5G>C (NM_001318829.2); c.1152+5G>C (NM_001318832.2).
Identifiers: ClinVar variation 1054533 (VCV001054533.8), dbSNP rs2086542949, ClinGen allele CA2499223276.